The following is an entry in ClinVar:

NM_177972.3(TUB):c.110A>T (p.Lys37Met)

Gene: TUB (TUB bipartite transcription factor; plus strand). Cytogenetic location: 11p15.4.
Variant type: single nucleotide variant.
Coding change: c.110A>T on transcript NM_177972.3 (MANE Select); coding-DNA position 110, A replaced by T.
Protein change: p.Lys37Met; replaces lysine 37 with methionine.
Molecular consequence: missense variant.
Genome position (GRCh38, 1-based): chr11:8,090,088, A>T. VCF-style: chr11-8090088-A-T. GRCh37 (hg19) VCF-style: chr11-8111635-A-T.
Other names: c.275A>T, p.Lys92Met (NM_003320.5); short protein forms K37M, K92M.
Identifiers: ClinVar variation 1025769 (VCV001025769.8), dbSNP rs750419936, ClinGen allele CA5870961.

ClinVar aggregate classification (germline): Uncertain significance. Review status: criteria provided, multiple submitters, no conflicts (2 of 4 stars). 2 submissions from 2 submitters: Uncertain significance (2). Last evaluated 2024-07-04.

Allele frequency attached by ClinVar (database versions not stated): gnomAD 0.00001; TOPMed 0.00001; gnomAD exomes 0.00002; ExAC 0.00003.
gnomAD v4.1: 15 of 1,610,390 alleles (0.00093%); highest among the groups gnomAD compares: Non-Finnish European, 0.00085%; no homozygotes.

Submissions (2):

Blueprint Genetics
Classification: Uncertain significance. Last evaluated: 2024-07-04. Review status: criteria provided, single submitter. Criteria: ACMG Guidelines, 2015. Collection method: clinical testing. Allele origin: germline.

Labcorp Genetics (formerly Invitae), Labcorp
Classification: Uncertain significance. Last evaluated: 2020-03-03. Review status: criteria provided, single submitter. Criteria: Invitae Variant Classification Sherloc (09022015). Collection method: clinical testing. Allele origin: germline.
Comment: This sequence change replaces lysine with methionine at codon 92 of the TUB protein (p.Lys92Met). The lysine residue is highly conserved and there is a moderate physicochemical difference between lysine and methionine. This variant is present in population databases (rs750419936, ExAC 0.005%). This variant has not been reported in the literature in individuals with TUB-related conditions. Algorithms developed to predict the effect of missense changes on protein structure and function are either unavailable or do not agree on the potential impact of this missense change (SIFT: "Deleterious"; PolyPhen-2: "Probably Damaging"; Align-GVGD: "Class C0"). In summary, the available evidence is currently insufficient to determine the role of this variant in disease. Therefore, it has been classified as a Variant of Uncertain Significance.